The following is an entry in ClinVar:

ClinVar aggregate classification (germline): Benign/Likely benign. Review status: criteria provided, multiple submitters, no conflicts (2 of 4 stars). 2 submissions from 2 submitters: Benign (1); Likely benign (1). Last evaluated 2024-10-10.

Conditions:
Hereditary diffuse gastric adenocarcinoma (HDGC). Also called: DIFFUSE GASTRIC AND LOBULAR BREAST CANCER SYNDROME. Identifiers: Orphanet 26106, MedGen C1708349, MONDO:0007648, OMIM 137215.

Submissions (2):

Myriad Genetics, Inc.
Classification: Benign for Hereditary diffuse gastric adenocarcinoma. Last evaluated: 2024-10-10. Review status: criteria provided, single submitter. Criteria: Myriad Autosomal Dominant, Autosomal Recessive and X-Linked Classification Criteria (2023). Collection method: clinical testing. Allele origin: unknown.
Comment: This variant is considered benign. This variant is a silent/synonymous amino acid change and it is not expected to impact splicing.

Labcorp Genetics (formerly Invitae), Labcorp
Classification: Likely benign. Last evaluated: 2023-10-08. Review status: criteria provided, single submitter. Criteria: Invitae Variant Classification Sherloc (09022015). Collection method: clinical testing. Allele origin: germline.

NM_001903.5(CTNNA1):c.990T>G (p.Arg330=)

Gene: CTNNA1 (catenin alpha 1; plus strand). Cytogenetic location: 5q31.2.
Variant type: single nucleotide variant.
Coding change: c.990T>G on transcript NM_001903.5 (MANE Select); coding-DNA position 990, T replaced by G.
Protein change: p.Arg330=; no amino-acid change (arginine 330 retained).
Molecular consequence: synonymous variant.
Genome position (GRCh38, 1-based): chr5:138,827,646, T>G. VCF-style: chr5-138827646-T-G. GRCh37 (hg19) VCF-style: chr5-138163335-T-G.
Other names: c.990T>G, p.Arg330= (NM_001290307.3, NM_001323982.2, NM_001323983.1 and 3 more transcripts); c.681T>G, p.Arg227= (NM_001290309.3); c.621T>G, p.Arg207= (NM_001290310.3).
Identifiers: ClinVar variation 2766771 (VCV002766771.4), dbSNP rs2532447520, ClinGen allele CA446595492.